The following is an entry in ClinVar:

NM_005159.5(ACTC1):c.316C>G (p.Leu106Val)

Genes: ACTC1 (actin alpha cardiac muscle 1; minus strand), GJD2-DT (GJD2 divergent transcript; plus strand). Cytogenetic location: 15q14.
Variant type: single nucleotide variant.
Coding change: c.316C>G on transcript NM_005159.5 (MANE Select); coding-DNA position 316, C replaced by G.
Protein change: p.Leu106Val; replaces leucine 106 with valine.
Molecular consequence: missense variant. On other transcripts: 5 prime UTR variant (1).
Genome position (GRCh38, 1-based): chr15:34,793,383, G>C on the plus strand (C>G on the coding strand, the complement: ACTC1 is on the minus strand). VCF-style: chr15-34793383-G-C. GRCh37 (hg19) VCF-style: chr15-35085584-G-C.
Other names: c.316C>G, p.Leu106Val (NM_001406482.1, NM_001406483.1); c.181C>G, p.Leu61Val (NM_001406484.1); c.-73C>G (NM_001406485.1); short protein forms L106V, L61V.
Identifiers: ClinVar variation 3393779 (VCV003393779.1).

ClinVar aggregate classification (germline): Uncertain significance (1 of 4 stars; one submission).

Submission:

GeneDx
Classification: Uncertain significance. Last evaluated: 2024-07-04. Review status: criteria provided, single submitter. Criteria: GeneDx Variant Classification Process June 2021. Collection method: clinical testing. Allele origin: germline. Affected: yes.
Comment: Not observed at significant frequency in large population cohorts (gnomAD); In silico analysis indicates that this missense variant does not alter protein structure/function; Has not been previously published as pathogenic or benign to our knowledge